The following is an entry in ClinVar:

NM_018489.3(ASH1L):c.881A>T (p.Asn294Ile)

Gene: ASH1L (ASH1 like histone lysine methyltransferase; minus strand). Cytogenetic location: 1q22.
Variant type: single nucleotide variant.
Coding change: c.881A>T on transcript NM_018489.3 (MANE Select); coding-DNA position 881, A replaced by T.
Protein change: p.Asn294Ile; replaces asparagine 294 with isoleucine.
Molecular consequence: missense variant.
Genome position (GRCh38, 1-based): chr1:155,481,989, T>A on the plus strand (A>T on the coding strand, the complement: ASH1L is on the minus strand). VCF-style: chr1-155481989-T-A. GRCh37 (hg19) VCF-style: chr1-155451780-T-A.
Other names: c.881A>T, p.Asn294Ile (NM_001366177.2); short protein forms N294I.
Identifiers: ClinVar variation 2672359 (VCV002672359.23), dbSNP rs2527205686, ClinGen allele CA342740535.
Genomic context (GRCh38, chr1:155,481,989, plus strand): 5'-GCTGTAGTGCCAGTTCCCAGTTTTTTCACAGAGTCCTTATTGACCAATCCTACTGCTGCA[T>A]TAAACACTGGCTTTTTCCCAGGATCTTTAGTTACCAATCCAACTGCTGTGCTGATGGTTG-3'
Protein context (NP_060959.2, residues 284-304): TKDPGKKPVF[Asn294Ile]AAVGLVNKDS

ClinVar aggregate classification (germline): Uncertain significance (1 of 4 stars; one submission).

Submission:

CeGaT Center for Human Genetics Tuebingen
Classification: Uncertain significance. Last evaluated: 2023-11-01. Review status: criteria provided, single submitter. Criteria: CeGaT Center For Human Genetics Tuebingen Variant Classification Criteria Version 2. Collection method: clinical testing. Allele origin: germline. Affected: yes. Observed: 1 variant allele.
Comment: ASH1L: PM2, PS2:Supporting, BP4